The following is an entry in ClinVar:

ClinVar aggregate classification (germline): Uncertain significance (1 of 4 stars; one submission).

Conditions:
Neuropathy, hereditary sensory and autonomic, type 2A (HSAN2A). Also called: ACROOSTEOLYSIS, GIACCAI TYPE; ACROOSTEOLYSIS, NEUROGENIC; MORVAN DISEASE; NEUROPATHY, CONGENITAL SENSORY; NEUROPATHY, HEREDITARY SENSORY RADICULAR, AUTOSOMAL RECESSIVE; NEUROPATHY, HEREDITARY SENSORY, TYPE IIA. Identifiers: Orphanet 970, MedGen C2752089, MONDO:0024309, OMIM 201300.
Generalized epilepsy with febrile seizures plus, type 7 (GEFSP7). Also called: GEFS+, TYPE 7. Identifiers: Orphanet 36387, MedGen C2751778, MONDO:0013470, OMIM 613863.

Submission:

Labcorp Genetics (formerly Invitae), Labcorp
Classification: Uncertain significance for Neuropathy, hereditary sensory and autonomic, type 2A; Generalized epilepsy with febrile seizures plus, type 7. Last evaluated: 2022-12-05. Review status: criteria provided, single submitter. Criteria: Invitae Variant Classification Sherloc (09022015). Collection method: clinical testing. Allele origin: germline.
Comment: This variant is not present in population databases (gnomAD no frequency). This sequence change replaces asparagine, which is neutral and polar, with lysine, which is basic and polar, at codon 336 of the SCN9A protein (p.Asn336Lys). This variant has not been reported in the literature in individuals affected with SCN9A-related conditions. In summary, the available evidence is currently insufficient to determine the role of this variant in disease. Therefore, it has been classified as a Variant of Uncertain Significance. Algorithms developed to predict the effect of missense changes on protein structure and function (SIFT, PolyPhen-2, Align-GVGD) all suggest that this variant is likely to be disruptive.

NM_001365536.1(SCN9A):c.1008C>A (p.Asn336Lys)

Genes: SCN1A-AS1 (SCN1A and SCN9A antisense RNA 1; plus strand), SCN9A (sodium voltage-gated channel alpha subunit 9; minus strand). Cytogenetic location: 2q24.3.
Variant type: single nucleotide variant.
Coding change: c.1008C>A on transcript NM_001365536.1 (MANE Select); coding-DNA position 1008, C replaced by A.
Protein change: p.Asn336Lys; replaces asparagine 336 with lysine.
Molecular consequence: missense variant.
Genome position (GRCh38, 1-based): chr2:166,293,330, G>T on the plus strand (C>A on the coding strand, the complement: SCN9A is on the minus strand). VCF-style: chr2-166293330-G-T. GRCh37 (hg19) VCF-style: chr2-167149840-G-T.
Other names: c.1008C>A, p.Asn336Lys (NM_002977.4); short protein forms N336K.
Identifiers: ClinVar variation 2942069 (VCV002942069.3), dbSNP rs200189279, ClinGen allele CA349089236.